The following is an entry in ClinVar:

NM_032119.4(ADGRV1):c.18732_18750del (p.Gly6243_Tyr6244insTer)

Gene: ADGRV1 (adhesion G protein-coupled receptor V1; plus strand). Cytogenetic location: 5q14.3.
Variant type: Deletion.
Coding change: c.18732_18750del on transcript NM_032119.4 (MANE Select); coding-DNA positions 18732 to 18750, 19 bases deleted (TGGCCAGGGGTCACTGATA).
Protein change: p.Gly6243_Tyr6244insTer.
Molecular consequence: nonsense. On other transcripts: non-coding transcript variant (1).
Genome position (GRCh38, 1-based): chr5:91,153,328-91,153,346, TGGCCAGGGGTCACTGATA deleted; deleting any 19 consecutive bases within chr5:91,153,324-91,153,346 gives the same sequence; the c. name uses the placement nearest the transcript's 3' end. VCF-style (leftmost placement, unchanged base first): chr5-91153323-GGATATGGCCAGGGGTCACT-G. GRCh37 (hg19) VCF-style: chr5-90449140-GGATATGGCCAGGGGTCACT-G.
Other names: ADGRV1, 19-BP DEL, NT18732.
Identifiers: ClinVar variation 6801 (VCV000006801.18), dbSNP rs796051865, ClinGen allele CA253959.
Genomic context (GRCh38, chr5:91,153,323, plus strand): 5'-CAGGCCAGCCCTGATTTAAAGCCAAGTCCACAAAATGGAGCCACGTTCCCGTCCTCTGGA[GGATATGGCCAGGGGTCACT>G]GATAGCCGATGAGGAGTCCCAGGAGTTTGATGATTTAATATTTGCATTAAAAACTGGTAT-3'

ClinVar aggregate classification (germline): Pathogenic/Likely pathogenic. Review status: criteria provided, multiple submitters, no conflicts (2 of 4 stars). 5 submissions from 5 submitters: Pathogenic (2); Likely pathogenic (2). 1 of the submissions does not count toward it. Last evaluated 2025-07-01.

Conditions:
ADGRV1-related disorder. Also called: ADGRV1-related disorders; ADGRV1-related condition.
Usher syndrome type 2C. Also called: Usher syndrome, type 2B; USHER SYNDROME, TYPE IIC. Identifiers: Orphanet 231178, Orphanet 886, MedGen C2931213, MONDO:0011558, OMIM 605472.

Submissions (5):

CeGaT Center for Human Genetics Tuebingen
Classification: Pathogenic. Last evaluated: 2025-07-01. Review status: criteria provided, single submitter. Criteria: CeGaT Center For Human Genetics Tuebingen Variant Classification Criteria Version 2. Collection method: clinical testing. Allele origin: germline. Affected: yes. Observed: 1 variant allele.
Comment: ADGRV1: PVS1, PM2

Labcorp Genetics (formerly Invitae), Labcorp
Classification: Pathogenic. Last evaluated: 2025-01-27. Review status: criteria provided, single submitter. Criteria: Invitae Variant Classification Sherloc (09022015). Collection method: clinical testing. Allele origin: germline.
Comment: This sequence change creates a premature translational stop signal (p.Tyr6244*) in the ADGRV1 gene. It is expected to result in an absent or disrupted protein product. Loss-of-function variants in ADGRV1 are known to be pathogenic (PMID: 19357117, 22135276, 22147658, 26226137, 30718709, 31047384, 32467589). This variant is present in population databases (rs761560344, gnomAD 0.003%). This premature translational stop signal has been observed in individual(s) with Usher syndrome (PMID: 14740321). ClinVar contains an entry for this variant (Variation ID: 6801). For these reasons, this variant has been classified as Pathogenic.

GeneDx
Classification: Likely pathogenic. Last evaluated: 2024-01-19. Review status: criteria provided, single submitter. Criteria: GeneDx Variant Classification Process June 2021. Collection method: clinical testing. Allele origin: germline. Affected: yes.
Comment: Observed in four siblings with clinical features of Usher syndrome type 2, however a second variant in ADGRV1 was not identified (PMID: 14740321); Nonsense variant predicted to result in protein truncation, as the last 63 amino acids are lost, and other loss-of-function variants have been reported downstream in HGMD; Not observed at significant frequency in large population cohorts (gnomAD); This variant is associated with the following publications: (PMID: 14740321)

Blueprint Genetics
Classification: Likely pathogenic for ADGRV1-related disorders. Last evaluated: 2020-02-07. Review status: criteria provided, single submitter. Criteria: ACMG Guidelines, 2015. Collection method: clinical testing. Allele origin: germline. Affected: yes. Observed: 2 variant alleles.

OMIM
Classification: Pathogenic for USHER SYNDROME, TYPE IIC. Last evaluated: 2004-02-01. Review status: no assertion criteria provided. Collection method: literature only. Allele origin: germline. Not counted in ClinVar's aggregate classification.

Literature cited by the submitters: PubMed 19357117 (cited by Labcorp Genetics (formerly Invitae), Labcorp); PubMed 22135276 (cited by Labcorp Genetics (formerly Invitae), Labcorp); PubMed 22147658 (cited by Labcorp Genetics (formerly Invitae), Labcorp); PubMed 26226137 (cited by Labcorp Genetics (formerly Invitae), Labcorp); PubMed 30718709 (cited by Labcorp Genetics (formerly Invitae), Labcorp); PubMed 31047384 (cited by Labcorp Genetics (formerly Invitae), Labcorp); PubMed 32467589 (cited by Labcorp Genetics (formerly Invitae), Labcorp); PubMed 14740321 (cited by Labcorp Genetics (formerly Invitae), Labcorp and OMIM).